The following is an entry in ClinVar:

NM_015338.6(ASXL1):c.4573G>A (p.Asp1525Asn)

Gene: ASXL1 (ASXL transcriptional regulator 1; plus strand). Cytogenetic location: 20q11.21.
Variant type: single nucleotide variant.
Coding change: c.4573G>A on transcript NM_015338.6 (MANE Select); coding-DNA position 4573, G replaced by A.
Protein change: p.Asp1525Asn; replaces aspartic acid 1525 with asparagine.
Molecular consequence: missense variant.
Genome position (GRCh38, 1-based): chr20:32,437,285, G>A. VCF-style: chr20-32437285-G-A. GRCh37 (hg19) VCF-style: chr20-31025088-G-A.
Other names: c.4390G>A, p.Asp1464Asn (NM_001363734.1); short protein forms D1464N, D1525N.
Identifiers: ClinVar variation 3615318 (VCV003615318.3).

ClinVar aggregate classification (germline): Uncertain significance. Review status: criteria provided, multiple submitters, no conflicts (2 of 4 stars). 2 submissions from 2 submitters: Uncertain significance (2). Last evaluated 2025-04-02.

Conditions:
Inborn genetic diseases. Identifiers: MedGen C0950123, MeSH D030342.

gnomAD v4.1: 5 of 1,614,154 alleles (0.00031%); highest among the groups gnomAD compares: Non-Finnish European, 0.00042%; no homozygotes.

Submissions (2):

Ambry Genetics
Classification: Uncertain significance for Inborn genetic diseases. Last evaluated: 2025-04-02. Review status: criteria provided, single submitter. Criteria: Ambry Variant Classification Scheme 2023. Collection method: clinical testing. Allele origin: germline.
Comment: The p.D1525N variant (also known as c.4573G>A), located in coding exon 13 of the ASXL1 gene, results from a G to A substitution at nucleotide position 4573. The aspartic acid at codon 1525 is replaced by asparagine, an amino acid with highly similar properties. This amino acid position is conserved. In addition, this alteration is predicted to be tolerated by in silico analysis. Based on the available evidence, the clinical significance of this variant remains unclear.

Labcorp Genetics (formerly Invitae), Labcorp
Classification: Uncertain significance. Last evaluated: 2025-03-10. Review status: criteria provided, single submitter. Criteria: Invitae Variant Classification Sherloc (09022015). Collection method: clinical testing. Allele origin: germline.
Comment: This sequence change replaces aspartic acid, which is acidic and polar, with asparagine, which is neutral and polar, at codon 1525 of the ASXL1 protein (p.Asp1525Asn). This variant is not present in population databases (gnomAD no frequency). This variant has not been reported in the literature in individuals affected with ASXL1-related conditions. An algorithm developed to predict the effect of missense changes on protein structure and function (PolyPhen-2) suggests that this variant is likely to be disruptive. In summary, the available evidence is currently insufficient to determine the role of this variant in disease. Therefore, it has been classified as a Variant of Uncertain Significance.